The following is an entry in ClinVar:

ClinVar aggregate classification (germline): Uncertain significance (1 of 4 stars; one submission).

Conditions:
ADNP-related multiple congenital anomalies - intellectual disability - autism spectrum disorder. Also called: Helsmoortel-Van der Aa Syndrome; ADNP-Related Helsmoortel-Van der Aa Syndrome. Identifiers: Orphanet 404448, MedGen C4014538, MONDO:0014379, OMIM 615873. Disease mechanism: loss of function.

Submission:

HudsonAlpha Institute for Biotechnology
Classification: Uncertain significance for ADNP-related multiple congenital anomalies - intellectual disability - autism spectrum disorder. Last evaluated: 2020-03-03. Review status: criteria provided, single submitter. Criteria: ACMG Guidelines, 2015. Collection method: research. Allele origin: unknown. Observed: 1 variant allele. Study: HudsonAlpha-AGHI-WGS.
Comment: ACMG codes:PM2, PP3

NM_001282531.3(ADNP):c.736C>T (p.Arg246Cys)

Gene: ADNP (activity dependent neuroprotector homeobox; minus strand). Cytogenetic location: 20q13.13.
Variant type: single nucleotide variant.
Coding change: c.736C>T on transcript NM_001282531.3 (MANE Select); coding-DNA position 736, C replaced by T.
Protein change: p.Arg246Cys; replaces arginine 246 with cysteine.
Molecular consequence: missense variant.
Genome position (GRCh38, 1-based): chr20:50,893,978, G>A on the plus strand (C>T on the coding strand, the complement: ADNP is on the minus strand). VCF-style: chr20-50893978-G-A. GRCh37 (hg19) VCF-style: chr20-49510515-G-A.
Other names: c.736C>T, p.Arg246Cys (NM_001282532.2, NM_001347511.2, NM_015339.5 and 1 more transcripts); short protein forms R246C.
Identifiers: ClinVar variation 1251938 (VCV001251938.1), dbSNP rs2122760828, ClinGen allele CA408976314.
Genomic context (GRCh38, chr20:50,893,978, plus strand): 5'-TGGATCGGGGAACCACTACATTTGTGTGCCCAATCATGGCAGTGACCTGATAGCCTATAC[G>A]TTCATGGTCTTCGATGACATGCTGTACCAAAGCTTCATAGGACTTTGGCATGAAAAGGCA-3'
Protein context (NP_001269460.1, residues 236-256): LVQHVIEDHE[Arg246Cys]IGYQVTAMIG